The following is an entry in ClinVar:

ClinVar aggregate classification (germline): Uncertain significance. Review status: criteria provided, multiple submitters, no conflicts (2 of 4 stars). 2 submissions from 2 submitters: Uncertain significance (2). Last evaluated 2024-02-28.

Allele frequency attached by ClinVar (database versions not stated): ExAC 0.00003; gnomAD exomes 0.00003 and 0.00004.

Submissions (2):

Ambry Genetics
Classification: Uncertain significance. Last evaluated: 2024-02-28. Review status: criteria provided, single submitter. Criteria: Ambry Variant Classification Scheme 2023. Collection method: clinical testing. Allele origin: germline.

GeneDx
Classification: Uncertain significance. Last evaluated: 2020-02-07. Review status: criteria provided, single submitter. Criteria: GeneDx Variant Classification Process June 2021. Collection method: clinical testing. Allele origin: germline. Affected: yes.
Comment: In silico analysis supports that this missense variant does not alter protein structure/function; Has not been previously published as pathogenic or benign to our knowledge

NM_145262.4(GLYCTK):c.844C>T (p.Arg282Cys)

Gene: GLYCTK (glycerate kinase; plus strand). Cytogenetic location: 3p21.2.
Variant type: single nucleotide variant.
Coding change: c.844C>T on transcript NM_145262.4 (MANE Select); coding-DNA position 844, C replaced by T.
Protein change: p.Arg282Cys; replaces arginine 282 with cysteine.
Molecular consequence: missense variant. On other transcripts: non-coding transcript variant (3).
Genome position (GRCh38, 1-based): chr3:52,292,398, C>T. VCF-style: chr3-52292398-C-T. GRCh37 (hg19) VCF-style: chr3-52326414-C-T.
Other names: c.668C>T, p.Thr223Met (NM_001144951.2); short protein forms R282C, T223M.
Identifiers: ClinVar variation 1311781 (VCV001311781.3), dbSNP rs761028621, ClinGen allele CA2432199.